The following is an entry in ClinVar:

ClinVar aggregate classification (germline): Uncertain significance. Review status: criteria provided, multiple submitters, no conflicts (2 of 4 stars). 3 submissions from 3 submitters: Uncertain significance (3). Last evaluated 2025-08-04.

Conditions:
Inborn genetic diseases. Identifiers: MedGen C0950123, MeSH D030342.
Tyrosinemia type II (TYRSN2). Also called: OREGON TYPE TYROSINEMIA; TAT DEFICIENCY; TYROSINE AMINOTRANSFERASE DEFICIENCY; TYROSINE TRANSAMINASE DEFICIENCY; KERATOSIS PALMOPLANTARIS WITH CORNEAL DYSTROPHY. Identifiers: Orphanet 28378, MedGen C0268487, MONDO:0010160, OMIM 276600.

Allele frequency attached by ClinVar (database versions not stated): gnomAD 0.00002.
gnomAD v4.1: 69 of 1,614,070 alleles (0.0043%); highest among the groups gnomAD compares: Non-Finnish European, 0.0053%; no homozygotes.

Submissions (3):

Ambry Genetics
Classification: Uncertain significance for Inborn genetic diseases. Last evaluated: 2025-08-04. Review status: criteria provided, single submitter. Criteria: Ambry Variant Classification Scheme 2023. Collection method: clinical testing. Allele origin: germline.

Labcorp Genetics (formerly Invitae), Labcorp
Classification: Uncertain significance for Tyrosinemia type II. Last evaluated: 2022-06-09. Review status: criteria provided, single submitter. Criteria: Invitae Variant Classification Sherloc (09022015). Collection method: clinical testing. Allele origin: germline.
Comment: This sequence change replaces arginine, which is basic and polar, with proline, which is neutral and non-polar, at codon 228 of the TAT protein (p.Arg228Pro). This variant is present in population databases (rs554840029, gnomAD 0.003%). This variant has not been reported in the literature in individuals affected with TAT-related conditions. ClinVar contains an entry for this variant (Variation ID: 1056911). Algorithms developed to predict the effect of missense changes on protein structure and function (SIFT, PolyPhen-2, Align-GVGD) all suggest that this variant is likely to be tolerated. In summary, the available evidence is currently insufficient to determine the role of this variant in disease. Therefore, it has been classified as a Variant of Uncertain Significance.

Fulgent Genetics
Classification: Uncertain significance for Tyrosinemia type II. Last evaluated: 2022-03-18. Review status: criteria provided, single submitter. Criteria: ACMG Guidelines, 2015. Collection method: clinical testing. Allele origin: unknown.

NM_000353.3(TAT):c.683G>C (p.Arg228Pro)

Genes: TAT (tyrosine aminotransferase; minus strand), TAT-AS1 (TAT antisense RNA 1; plus strand), LOC111413029 (BRD4-independent group 4 enhancer GRCh37_chr16:71605697-71606896; plus strand). Cytogenetic location: 16q22.2.
Variant type: single nucleotide variant.
Coding change: c.683G>C on transcript NM_000353.3 (MANE Select); coding-DNA position 683, G replaced by C.
Protein change: p.Arg228Pro; replaces arginine 228 with proline.
Molecular consequence: missense variant. On other transcripts: non-coding transcript variant (2).
Genome position (GRCh38, 1-based): chr16:71,572,209, C>G on the plus strand (G>C on the coding strand, the complement: TAT is on the minus strand). VCF-style: chr16-71572209-C-G. GRCh37 (hg19) VCF-style: chr16-71606112-C-G.
Other names: c.683G>C (NM_000353.2); short protein forms R228P.
Identifiers: ClinVar variation 1056911 (VCV001056911.8), dbSNP rs554840029, ClinGen allele CA8153935.